The following is an entry in ClinVar:

ClinVar aggregate classification (germline): Pathogenic (1 of 4 stars; one submission).

Conditions:
Mendelian susceptibility to mycobacterial diseases due to complete IL12RB1 deficiency. Also called: IL12RB1 DEFICIENCY; Immunodeficiency 30. Identifiers: Orphanet 319552, MedGen C4013949, MONDO:0013955, OMIM 614891.

Submission:

Labcorp Genetics (formerly Invitae), Labcorp
Classification: Pathogenic for Mendelian susceptibility to mycobacterial diseases due to complete IL12RB1 deficiency. Last evaluated: 2025-05-15. Review status: criteria provided, single submitter. Criteria: Invitae Variant Classification Sherloc (09022015). Collection method: clinical testing. Allele origin: germline.
Comment: This sequence change creates a premature translational stop signal (p.Gln285*) in the IL12RB1 gene. It is expected to result in an absent or disrupted protein product. Loss-of-function variants in IL12RB1 are known to be pathogenic (PMID: 9603733, 12591909). This variant is not present in population databases (gnomAD no frequency). This premature translational stop signal has been observed in individual(s) with clinical features of Mendelian susceptibility to mycobacterial disease (MSMD) (PMID: 17387515). ClinVar contains an entry for this variant (Variation ID: 3723486). For these reasons, this variant has been classified as Pathogenic.

Literature cited by the submitters: PubMed 9603733; PubMed 12591909; PubMed 17387515.

NM_005535.3(IL12RB1):c.853C>T (p.Gln285Ter)

Gene: IL12RB1 (interleukin 12 receptor subunit beta 1; minus strand). Cytogenetic location: 19p13.11.
Variant type: single nucleotide variant.
Coding change: c.853C>T on transcript NM_005535.3 (MANE Select); coding-DNA position 853, C replaced by T.
Protein change: p.Gln285Ter; replaces glutamine 285 with a stop codon.
Molecular consequence: nonsense.
Genome position (GRCh38, 1-based): chr19:18,072,280, G>A on the plus strand (C>T on the coding strand, the complement: IL12RB1 is on the minus strand). VCF-style: chr19-18072280-G-A. GRCh37 (hg19) VCF-style: chr19-18183090-G-A.
Other names: c.853C>T, p.Gln285Ter (NM_001290023.2, NM_153701.3); c.973C>T, p.Gln325Ter (NM_001290024.2); short protein forms Q285*, Q325*.
Identifiers: ClinVar variation 3723486 (VCV003723486.2).